The following is an entry in ClinVar:

NM_014874.4(MFN2):c.2125_2133del (p.Asn709_Glu711del)

Gene: MFN2 (mitofusin 2; plus strand). Cytogenetic location: 1p36.22.
Variant type: Deletion.
Coding change: c.2125_2133del on transcript NM_014874.4 (MANE Select); coding-DNA positions 2125 to 2133, 9 bases deleted (AACCTGGAG; older notation c.2125_2133delAACCTGGAG).
Protein change: p.Asn709_Glu711del.
Molecular consequence: inframe deletion.
Genome position (GRCh38, 1-based): chr1:12,009,647-12,009,655, AACCTGGAG deleted; deleting any 9 consecutive bases within chr1:12,009,643-12,009,655 gives the same sequence; the c. name uses the placement nearest the transcript's 3' end. VCF-style (leftmost placement, unchanged base first): chr1-12009642-GGGAGAACCT-G. GRCh37 (hg19) VCF-style: chr1-12069699-GGGAGAACCT-G.
Other names: c.2125_2133del, p.Asn709_Glu711del (NM_001127660.2).
Identifiers: ClinVar variation 2126861 (VCV002126861.4), dbSNP rs2523122445, ClinGen allele CA2580060543.

ClinVar aggregate classification (germline): Uncertain significance (1 of 4 stars; one submission).

Conditions:
Charcot-Marie-Tooth disease type 2. Also called: Charcot-Marie-Tooth type 2. Identifiers: Orphanet 64746, MedGen C0270914, MONDO:0018993.

Submission:

Labcorp Genetics (formerly Invitae), Labcorp
Classification: Uncertain significance for Charcot-Marie-Tooth disease type 2. Last evaluated: 2022-09-27. Review status: criteria provided, single submitter. Criteria: Invitae Variant Classification Sherloc (09022015). Collection method: clinical testing. Allele origin: germline.
Comment: This variant has not been reported in the literature in individuals affected with MFN2-related conditions. This variant, c.2125_2133del, results in the deletion of 3 amino acid(s) of the MFN2 protein (p.Asn709_Glu711del), but otherwise preserves the integrity of the reading frame. This variant is not present in population databases (gnomAD no frequency). Experimental studies and prediction algorithms are not available or were not evaluated, and the functional significance of this variant is currently unknown. In summary, the available evidence is currently insufficient to determine the role of this variant in disease. Therefore, it has been classified as a Variant of Uncertain Significance.